The following is an entry in ClinVar:

NM_004463.3(FGD1):c.529C>G (p.Leu177Val)

Gene: FGD1 (FYVE, RhoGEF and PH domain containing 1; minus strand). Cytogenetic location: Xp11.22.
Variant type: single nucleotide variant.
Coding change: c.529C>G on transcript NM_004463.3 (MANE Select); coding-DNA position 529, C replaced by G.
Protein change: p.Leu177Val; replaces leucine 177 with valine.
Molecular consequence: missense variant.
Genome position (GRCh38, 1-based): chrX:54,470,713, G>C on the plus strand (C>G on the coding strand, the complement: FGD1 is on the minus strand). VCF-style: chrX-54470713-G-C. GRCh37 (hg19) VCF-style: chrX-54497146-G-C.
Other names: short protein forms L177V.
Identifiers: ClinVar variation 1312077 (VCV001312077.2), dbSNP rs1922870629, ClinGen allele CA413249556.

ClinVar aggregate classification (germline): Uncertain significance (1 of 4 stars; one submission).

gnomAD v4.1: 1 of 999,408 alleles (0.0001%); highest among the groups gnomAD compares: Non-Finnish European, 0.00014%; no homozygotes.

Submission:

GeneDx
Classification: Uncertain significance. Last evaluated: 2019-09-05. Review status: criteria provided, single submitter. Criteria: GeneDx Variant Classification Process June 2021. Collection method: clinical testing. Allele origin: germline. Affected: yes.
Comment: Not observed in large population cohorts (Lek et al., 2016); In silico analysis, which includes protein predictors and evolutionary conservation, supports that this variant does not alter protein structure/function; Has not been previously published as pathogenic or benign to our knowledge